The following is an entry in ClinVar:

ClinVar aggregate classification (germline): Pathogenic (0 of 4 stars; one submission).

Conditions:
Alkaptonuria (AKU). Also called: Alkaptonuric ochronosis; Homogentisic acidura; HOMOGENTISIC ACID OXIDASE DEFICIENCY; Alcaptonuria. Identifiers: Orphanet 56, MedGen C0002066, MONDO:0008753, OMIM 203500.

Allele frequency attached by ClinVar (database versions not stated): ExAC 0.00001.

Submission:

Department Of Human Genetics, Institute Of Clinical And Translational Research, Biomedical Research Center, Slovak Academy Of Sciences
Classification: Pathogenic for Alkaptonuria. Review status: no assertion criteria provided. Collection method: research. Allele origin: germline. Inheritance: Autosomal recessive inheritance. Affected: yes. Observed: 2 variant alleles.
Comment: The variant was originally submitted to the HGD mutation database by Dr. Pelin Teke Kisa (DB-ID: AKU_00258).

NM_000187.4(HGD):c.1060C>T (p.Gln354Ter)

Gene: HGD (homogentisate 1,2-dioxygenase; minus strand). Cytogenetic location: 3q13.33.
Variant type: single nucleotide variant.
Coding change: c.1060C>T on transcript NM_000187.4 (MANE Select); coding-DNA position 1060, C replaced by T.
Protein change: p.Gln354Ter; replaces glutamine 354 with a stop codon.
Molecular consequence: nonsense.
Genome position (GRCh38, 1-based): chr3:120,633,275, G>A on the plus strand (C>T on the coding strand, the complement: HGD is on the minus strand). VCF-style: chr3-120633275-G-A. GRCh37 (hg19) VCF-style: chr3-120352122-G-A.
Other names: short protein forms Q354*.
Identifiers: ClinVar variation 2584710 (VCV002584710.2), dbSNP rs780333531, ClinGen allele CA2559976.